The following is an entry in ClinVar:

NM_001374736.1(DST):c.21724G>T (p.Ala7242Ser)

Gene: DST (dystonin; minus strand). Cytogenetic location: 6p12.1.
Variant type: single nucleotide variant.
Coding change: c.21724G>T on transcript NM_001374736.1 (MANE Select); coding-DNA position 21724, G replaced by T.
Protein change: p.Ala7242Ser; replaces alanine 7242 with serine.
Molecular consequence: missense variant.
Genome position (GRCh38, 1-based): chr6:56,476,289, C>A on the plus strand (G>T on the coding strand, the complement: DST is on the minus strand). VCF-style: chr6-56476289-C-A. GRCh37 (hg19) VCF-style: chr6-56341087-C-A.
Other names: c.15367G>T, p.Ala5123Ser (NM_001144769.5); c.14953G>T, p.Ala4985Ser (NM_001144770.2); c.21724G>T, p.Ala7242Ser (NM_001374722.1); c.20764G>T, p.Ala6922Ser (NM_001374729.1); c.14506G>T, p.Ala4836Ser (NM_001374730.1); c.21751G>T, p.Ala7251Ser (NM_001374734.1); c.14833G>T, p.Ala4945Ser (NM_001386100.1, NM_183380.4); c.13855G>T, p.Ala4619Ser (NM_015548.5); short protein forms A5123S, A4836S, A7242S, A4619S, A4985S, A4945S, A6922S, A7251S.
Identifiers: ClinVar variation 1364247 (VCV001364247.8), dbSNP rs1180336292, ClinGen allele CA364510496.

ClinVar aggregate classification (germline): Uncertain significance (1 of 4 stars; one submission).

Conditions:
Hereditary sensory and autonomic neuropathy type 6. Also called: HSAN VI; Neuropathy, hereditary sensory and autonomic, type VI. Identifiers: Orphanet 314381, MedGen C3539003, MONDO:0013839, OMIM 614653.
Epidermolysis bullosa simplex 3, localized or generalized intermediate, with BP230 deficiency (EBS3). Also called: Epidermolysis bullosa simplex due to BP230 deficiency; Epidermolysis bullosa simplex, autosomal recessive 2. Identifiers: Orphanet 412181, MedGen C3809470, MONDO:0014180, OMIM 615425.

Allele frequency attached by ClinVar (database versions not stated): gnomAD exomes below 0.00001; gnomAD 0.00001; TOPMed 0.00001.

Submission:

Labcorp Genetics (formerly Invitae), Labcorp
Classification: Uncertain significance for Epidermolysis bullosa simplex 3, localized or generalized intermediate, with BP230 deficiency; Hereditary sensory and autonomic neuropathy type 6. Last evaluated: 2022-08-16. Review status: criteria provided, single submitter. Criteria: Invitae Variant Classification Sherloc (09022015). Collection method: clinical testing. Allele origin: germline.
Comment: This variant has not been reported in the literature in individuals affected with DST-related conditions. Experimental studies and prediction algorithms are not available or were not evaluated, and the functional significance of this variant is currently unknown. In summary, the available evidence is currently insufficient to determine the role of this variant in disease. Therefore, it has been classified as a Variant of Uncertain Significance. This variant is not present in population databases (gnomAD no frequency). The DST gene has multiple clinically relevant transcripts. This variant occurs in alternate transcript NM_015548.4, and corresponds to NM_001723.5:c.*139228G>T in the primary transcript. This sequence change replaces alanine, which is neutral and non-polar, with serine, which is neutral and polar, at codon 4619 of the DST protein (p.Ala4619Ser).